The following is an entry in ClinVar:

ClinVar aggregate classification (germline): Uncertain significance (1 of 4 stars; one submission).

Conditions:
Progressive microcephaly-seizures-cortical blindness-developmental delay syndrome. Also called: Seizures, cortical blindness, and microcephaly syndrome. Identifiers: Orphanet 477814, MedGen C5567650, MONDO:0014714, OMIM 616632.
Autosomal dominant nonsyndromic hearing loss 1. Also called: KONIGSMARK SYNDROME; DEAFNESS, AUTOSOMAL DOMINANT 1, WITH OR WITHOUT THROMBOCYTOPENIA. Identifiers: Orphanet 90635, MedGen C1852282, MONDO:0007424, OMIM 124900.

Allele frequency attached by ClinVar (database versions not stated): gnomAD exomes below 0.00001.

Submission:

Labcorp Genetics (formerly Invitae), Labcorp
Classification: Uncertain significance for Progressive microcephaly-seizures-cortical blindness-developmental delay syndrome; Autosomal dominant nonsyndromic hearing loss 1. Last evaluated: 2022-11-08. Review status: criteria provided, single submitter. Criteria: Invitae Variant Classification Sherloc (09022015). Collection method: clinical testing. Allele origin: germline.
Comment: Algorithms developed to predict the effect of sequence changes on RNA splicing suggest that this variant may disrupt the consensus splice site. Algorithms developed to predict the effect of missense changes on protein structure and function output the following: SIFT: "Deleterious"; PolyPhen-2: "Not Available"; Align-GVGD: "Class C0". The glutamine amino acid residue is found in multiple mammalian species, which suggests that this missense change does not adversely affect protein function. ClinVar contains an entry for this variant (Variation ID: 581935). This missense change has been observed in individual(s) with DIAPH1-related conditions (Invitae). This variant is present in population databases (no rsID available, gnomAD 0.0009%). This sequence change replaces glutamic acid, which is acidic and polar, with glutamine, which is neutral and polar, at codon 547 of the DIAPH1 protein (p.Glu547Gln). In summary, the available evidence is currently insufficient to determine the role of this variant in disease. Therefore, it has been classified as a Variant of Uncertain Significance.

NM_005219.5(DIAPH1):c.1639G>C (p.Glu547Gln)

Gene: DIAPH1 (diaphanous related formin 1; minus strand). Cytogenetic location: 5q31.3.
Variant type: single nucleotide variant.
Coding change: c.1639G>C on transcript NM_005219.5 (MANE Select); coding-DNA position 1639, G replaced by C.
Protein change: p.Glu547Gln; replaces glutamic acid 547 with glutamine.
Molecular consequence: missense variant.
Genome position (GRCh38, 1-based): chr5:141,574,969, C>G on the plus strand (G>C on the coding strand, the complement: DIAPH1 is on the minus strand). VCF-style: chr5-141574969-C-G. GRCh37 (hg19) VCF-style: chr5-140954536-C-G.
Other names: c.1612G>C, p.Glu538Gln (NM_001079812.3); c.1639G>C, p.Glu547Gln (NM_001314007.2); short protein forms E547Q, E538Q.
Identifiers: ClinVar variation 581935 (VCV000581935.9), dbSNP rs1317819365, ClinGen allele CA361522898.